The following is an entry in ClinVar:

ClinVar aggregate classification (germline): Uncertain significance (1 of 4 stars; one submission).

gnomAD v4.1: 30 of 1,609,214 alleles (0.0019%); highest among the groups gnomAD compares: Middle Eastern, 0.066%; no homozygotes.

Submission:

Labcorp Genetics (formerly Invitae), Labcorp
Classification: Uncertain significance. Last evaluated: 2025-03-09. Review status: criteria provided, single submitter. Criteria: Invitae Variant Classification Sherloc (09022015). Collection method: clinical testing. Allele origin: germline.
Comment: This sequence change replaces alanine, which is neutral and non-polar, with valine, which is neutral and non-polar, at codon 443 of the SYNPO protein (p.Ala443Val). This variant is present in population databases (rs564710386, gnomAD 0.007%). This variant has not been reported in the literature in individuals affected with SYNPO-related conditions. An algorithm developed to predict the effect of missense changes on protein structure and function (PolyPhen-2) suggests that this variant is likely to be tolerated. In summary, the available evidence is currently insufficient to determine the role of this variant in disease. Therefore, it has been classified as a Variant of Uncertain Significance.

NM_007286.6(SYNPO):c.1328C>T (p.Ala443Val)

Gene: SYNPO (synaptopodin; plus strand). Cytogenetic location: 5q33.1.
Variant type: single nucleotide variant.
Coding change: c.1328C>T on transcript NM_007286.6 (MANE Select); coding-DNA position 1328, C replaced by T.
Protein change: p.Ala443Val; replaces alanine 443 with valine.
Molecular consequence: missense variant.
Genome position (GRCh38, 1-based): chr5:150,649,603, C>T. VCF-style: chr5-150649603-C-T. GRCh37 (hg19) VCF-style: chr5-150029165-C-T.
Other names: c.1328C>T, p.Ala443Val (NM_001109974.3); c.2060C>T, p.Ala687Val (NM_001166208.2, NM_001166209.2); short protein forms A687V, A443V.
Identifiers: ClinVar variation 4750672 (VCV004750672.1).
Genomic context (GRCh38, chr5:150,649,603, plus strand): 5'-TGGGGGCCGAGGCCTCCAACTTCCAGCAGGAGCCAGCACCTCGTGACAGGGCCAGCCCCG[C>T]GGCGGCGGAGGAGGTGGTACCAGAGTGGGCCTCCTGCCTCAAGTCACCCCGCATCCAGGC-3'
Protein context (NP_009217.3, residues 433-453): EPAPRDRASP[Ala443Val]AAEEVVPEWA